The following is an entry in ClinVar:

NM_001358530.2(MOCS1):c.*1002C>T

Gene: MOCS1 (molybdenum cofactor synthesis 1; minus strand). Cytogenetic location: 6p21.2.
Variant type: single nucleotide variant.
Coding change: c.*1002C>T on transcript NM_001358530.2 (MANE Select); 1002 bases downstream of the stop codon, C replaced by T.
Molecular consequence: 3 prime UTR variant. On other transcripts: non-coding transcript variant (1).
Genome position (GRCh38, 1-based): chr6:39,905,355, G>A on the plus strand (C>T on the coding strand, the complement: MOCS1 is on the minus strand). VCF-style: chr6-39905355-G-A. GRCh37 (hg19) VCF-style: chr6-39873131-G-A.
Other names: c.*1770C>T (NM_001075098.4, NM_001358533.2, NM_001358534.2 and 1 more transcripts); c.*1002C>T (NM_001358529.2, NM_001358531.2).
Identifiers: ClinVar variation 356616 (VCV000356616.5), dbSNP rs115706925, ClinGen allele CA3795685.
Genomic context (GRCh38, chr6:39,905,355, plus strand): 5'-AAAGATTTCCCTTAGATGGTGCATTTCTATGCCCCCTACTCCACTTTATTTTCCCATAGC[G>A]GGGCTATACAGAGAGTACACCCTTAGGCCTTTCCAGGTCCCTCCTCTTCTTCCCTCAGGG-3'

ClinVar aggregate classification (germline): Benign (1 of 4 stars; one submission).

Conditions:
Sulfite oxidase deficiency due to molybdenum cofactor deficiency type A. Also called: Molybdenum Cofactor Deficiency A; Molybdenum cofactor deficiency, complementation group A. Identifiers: Orphanet 308386, Orphanet 833, MedGen C1854988, MONDO:0009643, OMIM 252150.

Allele frequency attached by ClinVar (database versions not stated): gnomAD exomes 0.00137 and 0.00216; ExAC 0.00234; gnomAD 0.01090 and 0.01175; 1000 Genomes Project 30x 0.01265; TOPMed 0.01271; 1000 Genomes Project 0.01298.
gnomAD v4.1: 2,088 of 459,828 alleles (0.45%); highest among the groups gnomAD compares: African/African-American, 3.7%; 30 homozygotes.

Submission:

Illumina Laboratory Services, Illumina
Classification: Benign for Sulfite oxidase deficiency due to molybdenum cofactor deficiency type A. Last evaluated: 2018-01-13. Review status: criteria provided, single submitter. Criteria: ICSL Variant Classification Criteria 13 December 2019. Collection method: clinical testing. Allele origin: germline.
Comment: This variant was observed in the ICSL laboratory as part of a predisposition screen in an ostensibly healthy population. It had not been previously curated by ICSL or reported in the Human Gene Mutation Database (HGMD: prior to June 1st, 2018), and was therefore a candidate for classification through an automated scoring system. Utilizing variant allele frequency, disease prevalence and penetrance estimates, and inheritance mode, an automated score was calculated to assess if this variant is too frequent to cause the disease. Based on the score and internal cut-off values, a variant classified as benign is not then subjected to further curation. The score for this variant resulted in a classification of benign for this disease.